The following is an entry in ClinVar:

ClinVar aggregate classification (germline): Uncertain significance. Review status: criteria provided, multiple submitters, no conflicts (2 of 4 stars). 3 submissions from 3 submitters: Uncertain significance (3). Last evaluated 2025-05-07.

Conditions:
Focal segmental glomerulosclerosis 5 (FSGS5). Identifiers: Orphanet 656, MedGen C2750475, MONDO:0013191, OMIM 613237.
Charcot-Marie-Tooth disease dominant intermediate E. Also called: CHARCOT-MARIE-TOOTH NEUROPATHY WITH FOCAL SEGMENTAL GLOMERULONEPHRITIS. Identifiers: Orphanet 93114, MedGen C4302667, MONDO:0013758, OMIM 614455.

Allele frequency attached by ClinVar (database versions not stated): gnomAD exomes below 0.00001; TOPMed below 0.00001; ExAC 0.00002.
gnomAD v4.1: 3 of 1,593,022 alleles (0.00019%); highest among the groups gnomAD compares: Middle Eastern, 0.017%; no homozygotes.

Submissions (3):

GeneDx
Classification: Uncertain significance. Last evaluated: 2025-05-07. Review status: criteria provided, single submitter. Criteria: GeneDx Variant Classification Process June 2021. Collection method: clinical testing. Allele origin: germline. Affected: yes.
Comment: Not observed at significant frequency in large population cohorts (gnomAD); In silico analysis suggests that this missense variant does not alter protein structure/function; Has not been previously published as pathogenic or benign to our knowledge; In silico analysis suggests this variant may impact gene splicing. In the absence of RNA/functional studies, the actual effect of this sequence change is unknown.

Fulgent Genetics
Classification: Uncertain significance for Focal segmental glomerulosclerosis 5; Charcot-Marie-Tooth disease dominant intermediate E. Last evaluated: 2022-04-26. Review status: criteria provided, single submitter. Criteria: ACMG Guidelines, 2015. Collection method: clinical testing. Allele origin: unknown.

Labcorp Genetics (formerly Invitae), Labcorp
Classification: Uncertain significance for Charcot-Marie-Tooth disease dominant intermediate E; Focal segmental glomerulosclerosis 5. Last evaluated: 2020-05-12. Review status: criteria provided, single submitter. Criteria: Invitae Variant Classification Sherloc (09022015). Collection method: clinical testing. Allele origin: germline.
Comment: This sequence change replaces alanine with glycine at codon 1041 of the INF2 protein (p.Ala1041Gly). The alanine residue is weakly conserved and there is a small physicochemical difference between alanine and glycine. In summary, the available evidence is currently insufficient to determine the role of this variant in disease. Therefore, it has been classified as a Variant of Uncertain Significance. Algorithms developed to predict the effect of missense changes on protein structure and function are either unavailable or do not agree on the potential impact of this missense change (SIFT: "Tolerated"; PolyPhen-2: "Not Available"; Align-GVGD: "Class C0"). This variant has not been reported in the literature in individuals with INF2-related conditions. This variant is present in population databases (rs770095888, ExAC 0.003%).

NM_022489.4(INF2):c.3122C>G (p.Ala1041Gly)

Gene: INF2 (inverted formin 2; plus strand). Cytogenetic location: 14q32.33.
Variant type: single nucleotide variant.
Coding change: c.3122C>G on transcript NM_022489.4 (MANE Select); coding-DNA position 3122, C replaced by G.
Protein change: p.Ala1041Gly; replaces alanine 1041 with glycine.
Molecular consequence: missense variant.
Genome position (GRCh38, 1-based): chr14:104,714,284, C>G. VCF-style: chr14-104714284-C-G. GRCh37 (hg19) VCF-style: chr14-105180621-C-G.
Other names: c.3122C>G (NM_022489.3); c.3122C>G, p.Ala1041Gly (NM_001031714.4); short protein forms A1041G.
Identifiers: ClinVar variation 1042501 (VCV001042501.10), dbSNP rs770095888, ClinGen allele CA7373185.
Genomic context (GRCh38, chr14:104,714,284, plus strand): 5'-GAGATCCCGTGGGCAGCACGCGCTGTCCCGCCTCTGAGCCCGGCCTTGATGCTACAACAG[C>G]CAGCGAGTCCCGGGGCTGGGACCTTGTAGACGCCGTGACCCCCGGCCCTCAGCCCACCCT-3'
Protein context (NP_071934.3, residues 1031-1051): ASEPGLDATT[Ala1041Gly]SESRGWDLVD